The following is an entry in ClinVar:

ClinVar aggregate classification (germline): Uncertain significance (1 of 4 stars; one submission).

Conditions:
Inclusion body myopathy with Paget disease of bone and frontotemporal dementia. Also called: Inclusion body myopathy with early-onset Paget disease and frontotemporal dementia. Identifiers: Orphanet 52430, MedGen C1833662, MONDO:0000507.
Frontotemporal dementia and/or amyotrophic lateral sclerosis 6 (FTDALS6). Also called: VCP-Related Amyotrophic Lateral Sclerosis; VCP-Related Amyotrophic Lateral Sclerosis/Frontotemporal Dementia. Identifiers: Orphanet 275872, Orphanet 803, MedGen C5436279, MONDO:0013501, OMIM 613954.

Submission:

Labcorp Genetics (formerly Invitae), Labcorp
Classification: Uncertain significance for Inclusion body myopathy with Paget disease of bone and frontotemporal dementia; Frontotemporal dementia and/or amyotrophic lateral sclerosis 6. Last evaluated: 2025-12-27. Review status: criteria provided, single submitter. Criteria: Invitae Variant Classification Sherloc (09022015). Collection method: clinical testing. Allele origin: germline.
Comment: This sequence change replaces leucine, which is neutral and non-polar, with arginine, which is basic and polar, at codon 331 of the VCP protein (p.Leu331Arg). This variant is not present in population databases (gnomAD no frequency). This variant has not been reported in the literature in individuals affected with VCP-related conditions. Invitae Evidence Modeling of protein sequence and biophysical properties (such as structural, functional, and spatial information, amino acid conservation, physicochemical variation, residue mobility, and thermodynamic stability) indicates that this missense variant is not expected to disrupt VCP protein function with a negative predictive value of 80%. In summary, the available evidence is currently insufficient to determine the role of this variant in disease. Therefore, it has been classified as a Variant of Uncertain Significance.

NM_007126.5(VCP):c.992T>G (p.Leu331Arg)

Gene: VCP (valosin containing protein; minus strand). Cytogenetic location: 9p13.3.
Variant type: single nucleotide variant.
Coding change: c.992T>G on transcript NM_007126.5 (MANE Select); coding-DNA position 992, T replaced by G.
Protein change: p.Leu331Arg; replaces leucine 331 with arginine.
Molecular consequence: missense variant.
Genome position (GRCh38, 1-based): chr9:35,062,092, A>C on the plus strand (T>G on the coding strand, the complement: VCP is on the minus strand). VCF-style: chr9-35062092-A-C. GRCh37 (hg19) VCF-style: chr9-35062089-A-C.
Other names: c.857T>G, p.Leu286Arg (NM_001354927.2, NM_001354928.2); short protein forms L286R, L331R.
Identifiers: ClinVar variation 4790362 (VCV004790362.1).
Genomic context (GRCh38, chr9:35,062,092, plus strand): 5'-TTGGGTCTGTTGGTTGCTGCCATAACAATCACATGTGCCCTCTGCTTTAGGCCATCCATG[A>C]GGGTCAACAACTGTGATACAATGCGCCGCTCCACCTCGCCATGAGTCTGCCAGAACAGGA-3'
Protein context (NP_009057.1, residues 321-341): ERRIVSQLLT[Leu331Arg]MDGLKQRAHV